The following is an entry in ClinVar:

NM_000540.3(RYR1):c.14422_14423inv (p.Phe4808Asn)

Gene: RYR1 (ryanodine receptor 1; plus strand). Cytogenetic location: 19q13.2.
Variant type: Inversion.
Coding change: c.14422_14423inv on transcript NM_000540.3 (MANE Select).
Protein change: p.Phe4808Asn; replaces phenylalanine 4808 with asparagine.
Molecular consequence: missense variant.
Genome position: GRCh38 VCF-style: chr19-38580039-TT-AA. GRCh37 (hg19) VCF-style: chr19-39070679-TT-AA.
Other names: c.14407_14408inv (NM_001042723.2); c.14407_14408inv, p.Phe4803Asn (NM_001042723.2); short protein forms F4803N, F4808N.
Identifiers: ClinVar variation 478199 (VCV000478199.16), ClinGen allele CA658658815.

ClinVar aggregate classification (germline): Uncertain significance. Review status: reviewed by expert panel (3 of 4 stars). 4 submissions from 4 submitters: Uncertain significance (1). 3 of the submissions do not count toward it. Last evaluated 2025-08-01.

Conditions:
Central core myopathy (CMYO1A). Also called: Myopathy, central fibrillar; Central core disease; CONGENITAL MYOPATHY 1A, AUTOSOMAL DOMINANT, WITH SUSCEPTIBILITY TO MALIGNANT HYPERTHERMIA. Identifiers: Orphanet 597, MedGen C5830701, MONDO:0007294, OMIM 117000.
RYR1-related disorder. Also called: RYR1-related disorders; RYR1-related condition. Identifiers: MedGen CN239331.
Malignant hyperthermia of anesthesia. Also called: Anesthesic-triggered malignant hyperthermia. Identifiers: Orphanet 423, MedGen C0024591, MONDO:0018493, HP:0034733.

Submissions (4):

ClinGen Malignant Hyperthermia Susceptibility Variant Curation Expert Panel, ClinGen
Classification: Uncertain significance for Malignant hyperthermia of anesthesia. Last evaluated: 2025-08-01. Review status: reviewed by expert panel. Criteria: ClinGen MHS ACMG Specifications V2. Collection method: curation. Allele origin: germline. Inheritance: Autosomal dominant inheritance.
Comment: This pathogenicity assessment is relevant only for malignant hyperthermia susceptibility (MHS) inherited in an autosomal dominant pattern. Variants in RYR1 can also cause other myopathies inherited in an autosomal dominant pattern or in an autosomal recessive pattern. Some of these disorders may predispose individuals to malignant hyperthermia. RYR1 variants may also contribute to a malignant hyperthermia reaction in combination with other genetic and non-genetic factors and the clinician needs to consider such factors in making management decisions. This sequence variant predicts a substitution of phenylalanine with asparagine at codon 4808 of the RYR1 protein, p.(Phe4808Asn), c.14422_14423delinsAA. This variant was not present in a large population database (gnomAD) at the time this variant was interpreted. This variant has been reported in an individual with a personal or family history of an MH episode without a positive in vitro contracture test (IVCT) or caffeine halothane contracture test (CHCT) result (PMID: 21455645), PS4 was not met. This variant has also been identified in individuals with myopathy (PMID:27447704, PMID:28357410, PMID:30155738 and others). No functional studies were identified for this variant. This variant resides in a region of RYR1 considered to be a hotspot for pathogenic variants that contribute to MHS, PM1_Sup (PMID: 21118704). No REVEL score was available. This variant has been classified as a Variant of Unknown Significance. Criteria implemented: PM1_Supporting.

3billion
Classification: Likely pathogenic for Central core myopathy. Last evaluated: 2026-01-13. Review status: criteria provided, single submitter. Criteria: ACMG Guidelines, 2015. Collection method: clinical testing. Allele origin: germline. Affected: yes. Not counted in ClinVar's aggregate classification.
Comment: The variant is not observed in the gnomAD v4.1.0 dataset. Predicted Consequence/Location: Missense variant In silico tool predictions suggest damaging effect of the variant on gene or gene product [3Cnet: 0.98 (> 0.75, sensitivity 0.96 and precision 0.92)]. The same nucleotide change resulting in the same amino acid change has been previously reported as pathogenic/likely pathogenic with strong evidence (ClinVar ID: VCV000478199 /PMID: 12565913 /3billion dataset). Different missense changes at the same codon (p.Phe4808Cys, p.Phe4808Leu, p.Phe4808Tyr) have been reported as pathogenic/likely pathogenic with strong evidence (ClinVar ID: VCV000665348, VCV001213684, VCV001498872 /PMID: 23183335, 23394784 /3billion dataset). Therefore, this variant is classified as Likely pathogenic according to the recommendation of ACMG/AMP guideline.

Labcorp Genetics (formerly Invitae), Labcorp
Classification: Pathogenic for RYR1-related disorder. Last evaluated: 2025-10-27. Review status: criteria provided, single submitter. Criteria: Invitae Variant Classification Sherloc (09022015). Collection method: clinical testing. Allele origin: germline. Not counted in ClinVar's aggregate classification.
Comment: This sequence change replaces phenylalanine, which is neutral and non-polar, with asparagine, which is neutral and polar, at codon 4808 of the RYR1 protein (p.Phe4808Asn). Information on the frequency of this variant in the gnomAD database is not available, as this variant may be reported differently in the database. This missense change has been observed in individual(s) with clinical features of autosomal dominant RYR1-related conditions (PMID: 12565913, 21455645, 27447704). In at least one individual the variant was observed to be de novo. This variant is also known as T14422A. ClinVar contains an entry for this variant (Variation ID: 478199). An algorithm developed to predict the effect of missense changes on protein structure and function (PolyPhen-2) suggests that this variant is likely to be tolerated. For these reasons, this variant has been classified as Pathogenic.

GeneDx
Classification: Pathogenic. Last evaluated: 2023-01-23. Review status: criteria provided, single submitter. Criteria: GeneDx Variant Classification Process June 2021. Collection method: clinical testing. Allele origin: germline. Affected: yes. Not counted in ClinVar's aggregate classification.
Comment: Not observed in large population cohorts (gnomAD); In silico analysis supports a deleterious effect on protein structure/function; This variant is associated with the following publications: (PMID: 32675003, 30155738, 27447704, 33646171, 33184643, 12565913, 21455645, 32272370, 35693006)

Literature cited by the submitters: PubMed 12565913 (cited by 3billion and Labcorp Genetics (formerly Invitae), Labcorp); PubMed 23183335 (cited by 3billion); PubMed 21455645 (cited by Labcorp Genetics (formerly Invitae), Labcorp); PubMed 27447704 (cited by Labcorp Genetics (formerly Invitae), Labcorp).